The following is an entry in ClinVar:

ClinVar aggregate classification (germline): Uncertain significance (1 of 4 stars; one submission).

Conditions:
Rhabdoid tumor predisposition syndrome 2 (RTPS2). Identifiers: Orphanet 231108, Orphanet 69077, MedGen C2750074, MONDO:0013224, OMIM 613325.

Submission:

Labcorp Genetics (formerly Invitae), Labcorp
Classification: Uncertain significance for Rhabdoid tumor predisposition syndrome 2. Last evaluated: 2025-03-20. Review status: criteria provided, single submitter. Criteria: Invitae Variant Classification Sherloc (09022015). Collection method: clinical testing. Allele origin: germline.
Comment: This sequence change replaces methionine, which is neutral and non-polar, with leucine, which is neutral and non-polar, at codon 217 of the SMARCA4 protein (p.Met217Leu). This variant is not present in population databases (gnomAD no frequency). This variant has not been reported in the literature in individuals affected with SMARCA4-related conditions. Invitae Evidence Modeling of protein sequence and biophysical properties (such as structural, functional, and spatial information, amino acid conservation, physicochemical variation, residue mobility, and thermodynamic stability) indicates that this missense variant is not expected to disrupt SMARCA4 protein function with a negative predictive value of 80%. In summary, the available evidence is currently insufficient to determine the role of this variant in disease. Therefore, it has been classified as a Variant of Uncertain Significance.

NM_003072.5(SMARCA4):c.649A>T (p.Met217Leu)

Gene: SMARCA4 (SWI/SNF related BAF chromatin remodeling complex subunit ATPase 4; plus strand). Cytogenetic location: 19p13.2.
Variant type: single nucleotide variant.
Coding change: c.649A>T on transcript NM_003072.5 (MANE Select); coding-DNA position 649, A replaced by T.
Protein change: p.Met217Leu; replaces methionine 217 with leucine.
Molecular consequence: missense variant. On other transcripts: non-coding transcript variant (1).
Genome position (GRCh38, 1-based): chr19:10,986,482, A>T. VCF-style: chr19-10986482-A-T. GRCh37 (hg19) VCF-style: chr19-11097158-A-T.
Other names: c.649A>T, p.Met217Leu (NM_001128844.3, NM_001128845.2, NM_001128846.2 and 6 more transcripts); short protein forms M217L.
Identifiers: ClinVar variation 3689961 (VCV003689961.2).